The following is an entry in ClinVar:

NM_001130987.2(DYSF):c.3085G>A (p.Gly1029Ser)

Gene: DYSF (dysferlin; plus strand). Cytogenetic location: 2p13.2.
Variant type: single nucleotide variant.
Coding change: c.3085G>A on transcript NM_001130987.2 (MANE Select); coding-DNA position 3085, G replaced by A.
Protein change: p.Gly1029Ser; replaces glycine 1029 with serine.
Molecular consequence: missense variant.
Genome position (GRCh38, 1-based): chr2:71,570,334, G>A. VCF-style: chr2-71570334-G-A. GRCh37 (hg19) VCF-style: chr2-71797464-G-A.
Other names: c.3034G>A, p.Gly1012Ser (NM_001130455.2, NM_001130983.2); c.2989G>A, p.Gly997Ser (NM_001130976.2, NM_001130977.2); c.3031G>A, p.Gly1011Ser (NM_001130978.2, NM_003494.4); c.3124G>A, p.Gly1042Ser (NM_001130979.2); c.3082G>A, p.Gly1028Ser (NM_001130980.2, NM_001130981.2); c.3127G>A, p.Gly1043Ser (NM_001130982.2); c.2992G>A, p.Gly998Ser (NM_001130984.2, NM_001130986.2); c.3085G>A, p.Gly1029Ser (NM_001130985.2); short protein forms G1011S, G1012S, G1028S, G1029S, G1042S, G1043S, G997S, G998S.
Identifiers: ClinVar variation 2441148 (VCV002441148.4), dbSNP rs2545819982, ClinGen allele CA347216865.
Genomic context (GRCh38, chr2:71,570,334, plus strand): 5'-GGCTGGAAGTGGGAAGATGAGGAATGGTCCACAGACCTCAACCGGGCTGTCGATGAGCAA[G>A]GTGGGCAGCATGTGGAACCTGGCGAGCCCCATCCCCGGCAAGCTCTCAAGCCATGCTGGT-3'
Protein context (NP_001124459.1, residues 1019-1039): TDLNRAVDEQ[Gly1029Ser]WEYSITIPPE

ClinVar aggregate classification (germline): Uncertain significance. Review status: criteria provided, multiple submitters, no conflicts (2 of 4 stars). 2 submissions from 2 submitters: Uncertain significance (2). Last evaluated 2022-05-11.

Conditions:
Distal myopathy with anterior tibial onset. Identifiers: Orphanet 178400, MedGen C1847532, MONDO:0011721, OMIM 606768.
Miyoshi muscular dystrophy 1 (MMD1). Identifiers: Orphanet 45448, MedGen C4551973, MONDO:0024545, OMIM 254130.
Autosomal recessive limb-girdle muscular dystrophy type 2B (LGMDR2). Also called: MUSCULAR DYSTROPHY, LIMB-GIRDLE, AUTOSOMAL RECESSIVE 2; Limb-girdle muscular dystrophy, type 2B; Limb-Girdle Muscular Dystrophy Type 2B (LGMD2B); MUSCULAR DYSTROPHY, LIMB-GIRDLE, TYPE 3. Identifiers: Orphanet 268, MedGen C1850889, MONDO:0009676, OMIM 253601.

Submissions (2):

Kariminejad - Najmabadi Pathology & Genetics Center
Classification: Uncertain significance for Miyoshi muscular dystrophy 1; Autosomal recessive limb-girdle muscular dystrophy type 2B; Distal myopathy with anterior tibial onset. Last evaluated: 2022-05-11. Review status: criteria provided, single submitter. Criteria: ACMG Guidelines, 2015. Collection method: clinical testing. Allele origin: germline. Inheritance: Autosomal recessive inheritance. Affected: yes.
Comment: PP3-PM2

Revvity Omics, Revvity
Classification: Uncertain significance. Last evaluated: 2021-06-15. Review status: criteria provided, single submitter. Criteria: ACMG Guidelines, 2015. Collection method: clinical testing. Allele origin: germline.